The following is an entry in ClinVar:

NM_001042413.2(GLIS3):c.1740G>A (p.Arg580=)

Gene: GLIS3 (GLIS family zinc finger 3; minus strand). Cytogenetic location: 9p24.2.
Variant type: single nucleotide variant.
Coding change: c.1740G>A on transcript NM_001042413.2 (MANE Select); coding-DNA position 1740, G replaced by A.
Protein change: p.Arg580=; no amino-acid change (arginine 580 retained).
Molecular consequence: synonymous variant.
Genome position (GRCh38, 1-based): chr9:3,937,160, C>T on the plus strand (G>A on the coding strand, the complement: GLIS3 is on the minus strand). VCF-style: chr9-3937160-C-T. GRCh37 (hg19) VCF-style: chr9-3937160-C-T.
Other names: c.1275G>A, p.Arg425= (NM_152629.4).
Identifiers: ClinVar variation 913246 (VCV000913246.13), dbSNP rs149545036, ClinGen allele CA4968088.

ClinVar aggregate classification (germline): Conflicting classifications of pathogenicity. Review status: criteria provided, conflicting classifications (1 of 4 stars). 3 submissions from 3 submitters: Uncertain significance (1); Benign (1). 1 of the submissions does not count toward it. Last evaluated 2026-01-23.

Conditions:
GLIS3-related disorder. Also called: GLIS3-related condition.
Neonatal diabetes mellitus with congenital hypothyroidism. Also called: NDH SYNDROME. Identifiers: Orphanet 79118, MedGen C1857775, MONDO:0012436, OMIM 610199.

Allele frequency attached by ClinVar (database versions not stated): ESP Exome Variant Server 0.00008; gnomAD 0.00029 and 0.00038; TOPMed 0.00031; ExAC 0.00047; gnomAD exomes 0.00050.
gnomAD v4.1: 595 of 1,614,076 alleles (0.037%); highest among the groups gnomAD compares: Middle Eastern, 0.38%; 5 homozygotes.

Submissions (3):

Labcorp Genetics (formerly Invitae), Labcorp
Classification: Benign. Last evaluated: 2026-01-23. Review status: criteria provided, single submitter. Criteria: Invitae Variant Classification Sherloc (09022015). Collection method: clinical testing. Allele origin: germline.

Illumina Laboratory Services, Illumina
Classification: Uncertain significance for Neonatal diabetes mellitus with congenital hypothyroidism. Last evaluated: 2018-01-13. Review status: criteria provided, single submitter. Criteria: ICSL Variant Classification Criteria 13 December 2019. Collection method: clinical testing. Allele origin: germline.

PreventionGenetics, part of Exact Sciences
Classification: Likely benign for GLIS3-related condition. Last evaluated: 2019-05-23. Review status: no assertion criteria provided. Collection method: clinical testing. Allele origin: germline. Not counted in ClinVar's aggregate classification.
Comment: This variant is classified as likely benign based on ACMG/AMP sequence variant interpretation guidelines (Richards et al. 2015 PMID: 25741868, with internal and published modifications).